The following is an entry in ClinVar:

ClinVar aggregate classification (germline): Benign/Likely benign. Review status: criteria provided, multiple submitters, no conflicts (2 of 4 stars). 5 submissions from 5 submitters: Benign (3); Likely benign (2). Last evaluated 2025-12-31.

Conditions:
Cataract 9 multiple types. Also called: Cataract 9, multiple types, with or without microcornea; Cataract, autosomal recessive congenital 1. Identifiers: Orphanet 1377, MedGen C1858679, MONDO:0011413, OMIM 604219.

Allele frequency attached by ClinVar (database versions not stated): gnomAD exomes 0.00329; ExAC 0.00402; gnomAD 0.01190; 1000 Genomes Project 0.01358; ESP Exome Variant Server 0.01361.

Submissions (5):

Labcorp Genetics (formerly Invitae), Labcorp
Classification: Benign for Cataract 9 multiple types. Last evaluated: 2025-12-31. Review status: criteria provided, single submitter. Criteria: Invitae Variant Classification Sherloc (09022015). Collection method: clinical testing. Allele origin: germline.

GeneDx
Classification: Likely benign. Last evaluated: 2021-02-27. Review status: criteria provided, single submitter. Criteria: GeneDx Variant Classification Process June 2021. Collection method: clinical testing. Allele origin: germline. Affected: yes.

Illumina Laboratory Services, Illumina
Classification: Benign for Cataract 9 multiple types. Last evaluated: 2018-01-12. Review status: criteria provided, single submitter. Criteria: ICSL Variant Classification Criteria 13 December 2019. Collection method: clinical testing. Allele origin: germline.
Comment: This variant was observed in the ICSL laboratory as part of a predisposition screen in an ostensibly healthy population. It had not been previously curated by ICSL or reported in the Human Gene Mutation Database (HGMD: prior to June 1st, 2018), and was therefore a candidate for classification through an automated scoring system. Utilizing variant allele frequency, disease prevalence and penetrance estimates, and inheritance mode, an automated score was calculated to assess if this variant is too frequent to cause the disease. Based on the score and internal cut-off values, a variant classified as benign is not then subjected to further curation. The score for this variant resulted in a classification of benign for this disease.

Breakthrough Genomics
Classification: Likely benign. Review status: criteria provided, single submitter. Criteria: ACMG Guidelines, 2015. Collection method: not provided. Allele origin: germline. Inheritance: Autosomal dominant inheritance. Affected: yes.

PreventionGenetics, part of Exact Sciences
Classification: Benign. Review status: criteria provided, single submitter. Criteria: ACMG Guidelines, 2015. Collection method: clinical testing. Allele origin: germline.

NM_000394.4(CRYAA):c.327C>T (p.Tyr109=)

Gene: CRYAA (crystallin alpha A; plus strand). Cytogenetic location: 21q22.3.
Variant type: single nucleotide variant.
Coding change: c.327C>T on transcript NM_000394.4 (MANE Select); coding-DNA position 327, C replaced by T.
Protein change: p.Tyr109=; no amino-acid change (tyrosine 109 retained).
Molecular consequence: synonymous variant.
Genome position (GRCh38, 1-based): chr21:43,172,085, C>T. VCF-style: chr21-43172085-C-T. GRCh37 (hg19) VCF-style: chr21-44592195-C-T.
Other names: c.216C>T, p.Tyr72= (NM_001363766.1).
Identifiers: ClinVar variation 256008 (VCV000256008.17), dbSNP rs79100529, ClinGen allele CA10587361.